The following is an entry in ClinVar:

NM_007373.4(SHOC2):c.97G>A (p.Gly33Ser)

Gene: SHOC2 (SHOC2 leucine rich repeat scaffold protein; plus strand). Cytogenetic location: 10q25.2.
Variant type: single nucleotide variant.
Coding change: c.97G>A on transcript NM_007373.4 (MANE Select); coding-DNA position 97, G replaced by A.
Protein change: p.Gly33Ser; replaces glycine 33 with serine.
Molecular consequence: missense variant.
Genome position (GRCh38, 1-based): chr10:110,964,455, G>A. VCF-style: chr10-110964455-G-A. GRCh37 (hg19) VCF-style: chr10-112724213-G-A.
Other names: c.97G>A, p.Gly33Ser (NM_001269039.3, NM_001324336.2, NM_001324337.2); short protein forms G33S.
Identifiers: ClinVar variation 3893416 (VCV003893416.1).

ClinVar aggregate classification (germline): Uncertain significance (1 of 4 stars; one submission).

Submission:

GeneDx
Classification: Uncertain significance. Last evaluated: 2024-10-22. Review status: criteria provided, single submitter. Criteria: GeneDx Variant Classification Process June 2021. Collection method: clinical testing. Allele origin: germline. Affected: yes.
Comment: Not observed at significant frequency in large population cohorts (gnomAD); In silico analysis indicates that this missense variant does not alter protein structure/function; Has not been previously published as pathogenic or benign to our knowledge; This variant is associated with the following publications: (PMID: 29493581)